The following is an entry in ClinVar:

NM_005932.4(MIPEP):c.1019G>A (p.Arg340Gln)

Gene: MIPEP (mitochondrial intermediate peptidase; minus strand). Cytogenetic location: 13q12.12.
Variant type: single nucleotide variant.
Coding change: c.1019G>A on transcript NM_005932.4 (MANE Select); coding-DNA position 1019, G replaced by A.
Protein change: p.Arg340Gln; replaces arginine 340 with glutamine.
Molecular consequence: missense variant.
Genome position (GRCh38, 1-based): chr13:23,862,336, C>T on the plus strand (G>A on the coding strand, the complement: MIPEP is on the minus strand). VCF-style: chr13-23862336-C-T. GRCh37 (hg19) VCF-style: chr13-24436475-C-T.
Other names: short protein forms R340Q.
Identifiers: ClinVar variation 1228884 (VCV001228884.14), dbSNP rs11551114, ClinGen allele CA6913142.

ClinVar aggregate classification (germline): Benign. Review status: criteria provided, multiple submitters, no conflicts (2 of 4 stars). 4 submissions from 4 submitters: Benign (3). 1 of the submissions does not count toward it. Last evaluated 2026-02-02.

Conditions:
MIPEP-related disorder. Also called: MIPEP-related condition.

Allele frequency attached by ClinVar (database versions not stated): 1000 Genomes Project 30x 0.06621; gnomAD exomes 0.08674; gnomAD 0.10251 and 0.10027; 1000 Genomes Project 0.06550; ExAC 0.13066; TOPMed 0.09691; ESP Exome Variant Server 0.10777.
gnomAD v4.1: 190,651 of 1,574,026 alleles (12%); highest among the groups gnomAD compares: Non-Finnish European, 14%; 13,002 homozygotes.

Submissions (4):

Labcorp Genetics (formerly Invitae), Labcorp
Classification: Benign. Last evaluated: 2026-02-02. Review status: criteria provided, single submitter. Criteria: Invitae Variant Classification Sherloc (09022015). Collection method: clinical testing. Allele origin: germline.

GeneDx
Classification: Benign. Last evaluated: 2021-05-04. Review status: criteria provided, single submitter. Criteria: GeneDx Variant Classification Process June 2021. Collection method: clinical testing. Allele origin: germline. Affected: yes.

Breakthrough Genomics
Classification: Benign. Review status: criteria provided, single submitter. Criteria: ACMG Guidelines, 2015. Collection method: not provided. Allele origin: germline. Inheritance: Autosomal recessive inheritance. Affected: yes.

PreventionGenetics, part of Exact Sciences
Classification: Benign for MIPEP-related condition. Last evaluated: 2019-10-31. Review status: no assertion criteria provided. Collection method: clinical testing. Allele origin: germline. Not counted in ClinVar's aggregate classification.
Comment: This variant is classified as benign based on ACMG/AMP sequence variant interpretation guidelines (Richards et al. 2015 PMID: 25741868, with internal and published modifications).